The following is an entry in ClinVar:

NM_021926.4(ALX4):c.*2828C>T

Gene: ALX4 (ALX homeobox 4; minus strand). Cytogenetic location: 11p11.2.
Variant type: single nucleotide variant.
Coding change: c.*2828C>T on transcript NM_021926.4 (MANE Select); 2828 bases downstream of the stop codon, C replaced by T.
Molecular consequence: 3 prime UTR variant.
Genome position (GRCh38, 1-based): chr11:44,262,026, G>A on the plus strand (C>T on the coding strand, the complement: ALX4 is on the minus strand). VCF-style: chr11-44262026-G-A. GRCh37 (hg19) VCF-style: chr11-44283576-G-A.
Other names: c.*2828C>T (LRG_1256t1).
Identifiers: ClinVar variation 304632 (VCV000304632.5), dbSNP rs77015141, ClinGen allele CA10634877.

ClinVar aggregate classification (germline): Benign (1 of 4 stars; one submission).

Conditions:
Parietal foramina 2 (PFM2). Identifiers: Orphanet 60015, MedGen C1865044, MONDO:0012309, OMIM 609597.

Allele frequency attached by ClinVar (database versions not stated): 1000 Genomes Project 30x 0.00375; 1000 Genomes Project 0.00379; gnomAD 0.00386 and 0.00418; TOPMed 0.00450.

Submission:

Illumina Laboratory Services, Illumina
Classification: Benign for Parietal foramina 2. Last evaluated: 2018-01-13. Review status: criteria provided, single submitter. Criteria: ICSL Variant Classification Criteria 13 December 2019. Collection method: clinical testing. Allele origin: germline.
Comment: This variant was observed in the ICSL laboratory as part of a predisposition screen in an ostensibly healthy population. It had not been previously curated by ICSL or reported in the Human Gene Mutation Database (HGMD: prior to June 1st, 2018), and was therefore a candidate for classification through an automated scoring system. Utilizing variant allele frequency, disease prevalence and penetrance estimates, and inheritance mode, an automated score was calculated to assess if this variant is too frequent to cause the disease. Based on the score and internal cut-off values, a variant classified as benign is not then subjected to further curation. The score for this variant resulted in a classification of benign for this disease.